The following is an entry in ClinVar:

ClinVar aggregate classification (germline): Uncertain significance (1 of 4 stars; one submission).

Conditions:
KDM5A-related disorder. Also called: KDM5A-related condition.

gnomAD v4.1: 4 of 1,614,138 alleles (0.00025%); highest among the groups gnomAD compares: Non-Finnish European, 0.00034%; no homozygotes.

Submission:

PreventionGenetics, part of Exact Sciences
Classification: Uncertain significance for KDM5A-related condition. Last evaluated: 2024-11-14. Review status: criteria provided, single submitter. Criteria: ACMG Guidelines, 2015. Collection method: clinical testing. Allele origin: germline.
Comment: The KDM5A c.3934C>T variant is predicted to result in the amino acid substitution p.His1312Tyr. To our knowledge, this variant has not been reported in the literature or in a large population database (gnomAD), indicating this variant is rare. At this time, the clinical significance of this variant is uncertain due to the absence of conclusive functional and genetic evidence.

NM_001042603.3(KDM5A):c.3934C>T (p.His1312Tyr)

Genes: KDM5A (lysine demethylase 5A; minus strand), LOC126861410 (BRD4-independent group 4 enhancer GRCh37_chr12:415875-417074; plus strand). Cytogenetic location: 12p13.33.
Variant type: single nucleotide variant.
Coding change: c.3934C>T on transcript NM_001042603.3 (MANE Select); coding-DNA position 3934, C replaced by T.
Protein change: p.His1312Tyr; replaces histidine 1312 with tyrosine.
Molecular consequence: missense variant.
Genome position (GRCh38, 1-based): chr12:307,086, G>A on the plus strand (C>T on the coding strand, the complement: KDM5A is on the minus strand). VCF-style: chr12-307086-G-A. GRCh37 (hg19) VCF-style: chr12-416252-G-A.
Other names: short protein forms H1312Y.
Identifiers: ClinVar variation 4978632 (VCV004978632.1).